The following is an entry in ClinVar:

ClinVar aggregate classification (germline): Likely benign. Review status: criteria provided, multiple submitters, no conflicts (2 of 4 stars). 2 submissions from 2 submitters: Likely benign (2). Last evaluated 2024-12-01.

Allele frequency attached by ClinVar (database versions not stated): gnomAD 0.00001 and 0.00002; ExAC 0.00002; TOPMed 0.00003; 1000 Genomes Project 30x 0.00016; 1000 Genomes Project 0.00020.
gnomAD v4.1: 83 of 1,613,970 alleles (0.0051%); highest among the groups gnomAD compares: East Asian, 0.0067%; no homozygotes.

Submissions (2):

CeGaT Center for Human Genetics Tuebingen
Classification: Likely benign. Last evaluated: 2024-12-01. Review status: criteria provided, single submitter. Criteria: CeGaT Center For Human Genetics Tuebingen Variant Classification Criteria Version 2. Collection method: clinical testing. Allele origin: germline. Affected: yes. Observed: 1 variant allele.
Comment: CYFIP2: PP2, BS2

Labcorp Genetics (formerly Invitae), Labcorp
Classification: Likely benign. Last evaluated: 2024-05-20. Review status: criteria provided, single submitter. Criteria: Invitae Variant Classification Sherloc (09022015). Collection method: clinical testing. Allele origin: germline.

NM_001037333.3(CYFIP2):c.2020G>A (p.Ala674Thr)

Gene: CYFIP2 (cytoplasmic FMR1 interacting protein 2; plus strand). Cytogenetic location: 5q33.3.
Variant type: single nucleotide variant.
Coding change: c.2020G>A on transcript NM_001037333.3 (MANE Select); coding-DNA position 2020, G replaced by A.
Protein change: p.Ala674Thr; replaces alanine 674 with threonine.
Molecular consequence: missense variant.
Genome position (GRCh38, 1-based): chr5:157,326,208, G>A. VCF-style: chr5-157326208-G-A. GRCh37 (hg19) VCF-style: chr5-156753216-G-A.
Other names: c.1942G>A, p.Ala648Thr (NM_001291721.2); c.2095G>A, p.Ala699Thr (NM_001291722.2); c.2020G>A, p.Ala674Thr (NM_014376.4); short protein forms A648T, A674T, A699T.
Identifiers: ClinVar variation 1625833 (VCV001625833.21), dbSNP rs566311656, ClinGen allele CA3533738.